The following is an entry in ClinVar:

ClinVar aggregate classification (germline): Uncertain significance (1 of 4 stars; one submission).

Submission:

Labcorp Genetics (formerly Invitae), Labcorp
Classification: Uncertain significance. Last evaluated: 2024-07-13. Review status: criteria provided, single submitter. Criteria: Invitae Variant Classification Sherloc (09022015). Collection method: clinical testing. Allele origin: germline.
Comment: This sequence change falls in intron 39 of the COL2A1 gene. It does not directly change the encoded amino acid sequence of the COL2A1 protein. It affects a nucleotide within the consensus splice site. This variant is not present in population databases (gnomAD no frequency). This variant has not been reported in the literature in individuals affected with COL2A1-related conditions. Variants that disrupt the consensus splice site are a relatively common cause of aberrant splicing (PMID: 17576681, 9536098). Algorithms developed to predict the effect of sequence changes on RNA splicing suggest that this variant may disrupt the consensus splice site. In summary, the available evidence is currently insufficient to determine the role of this variant in disease. Therefore, it has been classified as a Variant of Uncertain Significance.

Literature cited by the submitters: PubMed 17576681; PubMed 9536098.

NM_001844.5(COL2A1):c.2625+5G>T

Gene: COL2A1 (collagen type II alpha 1 chain; minus strand). Cytogenetic location: 12q13.11.
Variant type: single nucleotide variant.
Coding change: c.2625+5G>T on transcript NM_001844.5 (MANE Select); 5 bases into the intron after coding-DNA position 2625, G replaced by T.
Molecular consequence: intron variant.
Genome position (GRCh38, 1-based): chr12:47,980,549, C>A on the plus strand (G>T on the coding strand, the complement: COL2A1 is on the minus strand). VCF-style: chr12-47980549-C-A. GRCh37 (hg19) VCF-style: chr12-48374332-C-A.
Other names: c.2418+5G>T (NM_033150.3).
Identifiers: ClinVar variation 3641915 (VCV003641915.2).
Genomic context (GRCh38, chr12:47,980,549, plus strand): 5'-CTTCCCATCTGCACGCCAGGAGCCCTTCCTTGAGGGAACAATTCTTGGAGTGCAGCGTTA[C>A]CCACCTGAGGCCCAGGTGCTCCAGAGGGGCCCTGAGGACCAGGGGCACCAGCATCGCCTT-3'